The following is an entry in ClinVar:

ClinVar aggregate classification (germline): Uncertain significance (1 of 4 stars; one submission).

Conditions:
Hereditary insensitivity to pain with anhidrosis (CIPA). Also called: INSENSITIVITY TO PAIN, CONGENITAL, WITH ANHIDROSIS; NEUROPATHY, CONGENITAL SENSORY, WITH ANHIDROSIS; HSAN Type IV; hereditary sensory and autonomic neuropathy type 4; NTRK1 Congenital Insensitivity to Pain with Anhidrosis; FAMILIAL DYSAUTONOMIA, TYPE II. Identifiers: Orphanet 642, MedGen C0020074, MONDO:0009746, OMIM 256800.

Allele frequency attached by ClinVar (database versions not stated): gnomAD exomes below 0.00001; TOPMed below 0.00001.
gnomAD v4.1: 1 of 1,614,044 alleles (0.000062%); highest among the groups gnomAD compares: Non-Finnish European, 0.000085%; no homozygotes.

Submission:

Labcorp Genetics (formerly Invitae), Labcorp
Classification: Uncertain significance for Hereditary insensitivity to pain with anhidrosis. Last evaluated: 2022-07-21. Review status: criteria provided, single submitter. Criteria: Invitae Variant Classification Sherloc (09022015). Collection method: clinical testing. Allele origin: germline.
Comment: This sequence change replaces valine, which is neutral and non-polar, with isoleucine, which is neutral and non-polar, at codon 537 of the NTRK1 protein (p.Val537Ile). This variant is not present in population databases (gnomAD no frequency). This variant has not been reported in the literature in individuals affected with NTRK1-related conditions. Advanced modeling of protein sequence and biophysical properties (such as structural, functional, and spatial information, amino acid conservation, physicochemical variation, residue mobility, and thermodynamic stability) performed at Invitae indicates that this missense variant is not expected to disrupt NTRK1 protein function. In summary, the available evidence is currently insufficient to determine the role of this variant in disease. Therefore, it has been classified as a Variant of Uncertain Significance.

NM_002529.4(NTRK1):c.1627G>A (p.Val543Ile)

Gene: NTRK1 (neurotrophic receptor tyrosine kinase 1; plus strand). Cytogenetic location: 1q23.1.
Variant type: single nucleotide variant.
Coding change: c.1627G>A on transcript NM_002529.4 (MANE Select); coding-DNA position 1627, G replaced by A.
Protein change: p.Val543Ile; replaces valine 543 with isoleucine.
Molecular consequence: missense variant.
Genome position (GRCh38, 1-based): chr1:156,876,205, G>A. VCF-style: chr1-156876205-G-A. GRCh37 (hg19) VCF-style: chr1-156845997-G-A.
Other names: c.1627G>A, p.Val543Ile (NM_001007204.1); c.1519G>A, p.Val507Ile (NM_001007792.1); c.1609G>A, p.Val537Ile (NM_001012331.2); short protein forms V507I, V543I, V537I.
Identifiers: ClinVar variation 2147898 (VCV002147898.1), dbSNP rs1470193991, ClinGen allele CA342938265.